The following is an entry in ClinVar:

NM_001372.4(DNAH9):c.6283G>A (p.Gly2095Arg)

Gene: DNAH9 (dynein axonemal heavy chain 9; plus strand). Cytogenetic location: 17p12.
Variant type: single nucleotide variant.
Coding change: c.6283G>A on transcript NM_001372.4 (MANE Select); coding-DNA position 6283, G replaced by A.
Protein change: p.Gly2095Arg; replaces glycine 2095 with arginine.
Molecular consequence: missense variant.
Genome position (GRCh38, 1-based): chr17:11,744,968, G>A. VCF-style: chr17-11744968-G-A. GRCh37 (hg19) VCF-style: chr17-11648285-G-A.
Other names: short protein forms G2095R.
Identifiers: ClinVar variation 1311784 (VCV001311784.11), dbSNP rs61744677, ClinGen allele CA8396262.

ClinVar aggregate classification (germline): Uncertain significance. Review status: criteria provided, multiple submitters, no conflicts (2 of 4 stars). 6 submissions from 6 submitters: Uncertain significance (6). Last evaluated 2026-09-01.

Conditions:
Ciliary dyskinesia, primary, 40. Also called: CILIARY DYSKINESIA, PRIMARY, 40, WITH OR WITHOUT SITUS INVERSUS. Identifiers: MedGen C4749028, MONDO:0032664, OMIM 618300.

Allele frequency attached by ClinVar (database versions not stated): gnomAD exomes 0.00014; ExAC 0.00020; gnomAD 0.00031 and 0.00036; TOPMed 0.00042; ESP Exome Variant Server 0.00092.
gnomAD v4.1: 108 of 1,613,992 alleles (0.0067%); highest among the groups gnomAD compares: African/African-American, 0.08%; no homozygotes.

Submissions (6):

CeGaT Center for Human Genetics Tuebingen
Classification: Uncertain significance. Last evaluated: 2026-09-01. Review status: criteria provided, single submitter. Criteria: CeGaT Center For Human Genetics Tuebingen Variant Classification Criteria Version 2. Collection method: clinical testing. Allele origin: germline. Affected: yes. Observed: 1 variant allele.
Comment: DNAH9: PM2

Labcorp Genetics (formerly Invitae), Labcorp
Classification: Uncertain significance. Last evaluated: 2025-12-17. Review status: criteria provided, single submitter. Criteria: Invitae Variant Classification Sherloc (09022015). Collection method: clinical testing. Allele origin: germline.
Comment: This sequence change replaces glycine, which is neutral and non-polar, with arginine, which is basic and polar, at codon 2095 of the DNAH9 protein (p.Gly2095Arg). This variant is present in population databases (rs61744677, gnomAD 0.1%). This variant has not been reported in the literature in individuals affected with DNAH9-related conditions. ClinVar contains an entry for this variant (Variation ID: 1311784). Invitae Evidence Modeling of protein sequence and biophysical properties (such as structural, functional, and spatial information, amino acid conservation, physicochemical variation, residue mobility, and thermodynamic stability) indicates that this missense variant is not expected to disrupt DNAH9 protein function with a negative predictive value of 80%. In summary, the available evidence is currently insufficient to determine the role of this variant in disease. Therefore, it has been classified as a Variant of Uncertain Significance.

GeneDx
Classification: Uncertain significance. Last evaluated: 2024-12-17. Review status: criteria provided, single submitter. Criteria: GeneDx Variant Classification Process June 2021. Collection method: clinical testing. Allele origin: germline. Affected: yes.
Comment: In silico analysis supports that this missense variant has a deleterious effect on protein structure/function; Has not been previously published as pathogenic or benign to our knowledge

Revvity Omics, Revvity
Classification: Uncertain significance for Ciliary dyskinesia, primary, 40. Last evaluated: 2022-07-30. Review status: criteria provided, single submitter. Criteria: ACMG Guidelines, 2015. Collection method: clinical testing. Allele origin: germline.

Baylor Genetics
Classification: Uncertain significance for Ciliary dyskinesia, primary, 40. Last evaluated: 2021-05-24. Review status: criteria provided, single submitter. Criteria: ACMG Guidelines, 2015. Collection method: clinical testing. Allele origin: unknown.

Breakthrough Genomics
Classification: Uncertain significance. Review status: criteria provided, single submitter. Criteria: ACMG Guidelines, 2015. Collection method: not provided. Allele origin: germline. Inheritance: Autosomal recessive inheritance. Affected: yes.